The following is an entry in ClinVar:

NM_032043.3(BRIP1):c.383C>T (p.Ser128Phe)

Gene: BRIP1 (BRCA1 interacting DNA helicase 1; minus strand). Cytogenetic location: 17q23.2.
Variant type: single nucleotide variant.
Coding change: c.383C>T on transcript NM_032043.3 (MANE Select); coding-DNA position 383, C replaced by T.
Protein change: p.Ser128Phe; replaces serine 128 with phenylalanine.
Molecular consequence: missense variant.
Genome position (GRCh38, 1-based): chr17:61,849,253, G>A on the plus strand (C>T on the coding strand, the complement: BRIP1 is on the minus strand). VCF-style: chr17-61849253-G-A. GRCh37 (hg19) VCF-style: chr17-59926614-G-A.
Other names: short protein forms S128F.
Identifiers: ClinVar variation 663984 (VCV000663984.16), dbSNP rs1603362723, ClinGen allele CA400484608.
Genomic context (GRCh38, chr17:61,849,253, plus strand): 5'-CTGTATATGGATGCCTGTTTCTTAGCAGATAACTTTGCAGCCAGAGTGGTTTTTTCAGGG[G>A]AGTCTTATATAAGTAATTTAAAAAAAACAGCATAAATAACTTACAGGTAGGCAATTTTTC-3'
Protein context (NP_114432.2, residues 118-138): RNGTSSTCQD[Ser128Phe]PEKTTLAAKL

ClinVar aggregate classification (germline): Uncertain significance. Review status: criteria provided, multiple submitters, no conflicts (2 of 4 stars). 3 submissions from 3 submitters: Uncertain significance (3). Last evaluated 2024-03-06.

Conditions:
Hereditary cancer-predisposing syndrome. Also called: Neoplastic Syndromes, Hereditary; Hereditary neoplastic syndrome; Tumor predisposition; Hereditary Cancer Syndrome. Identifiers: Orphanet 140162, MedGen C0027672, MeSH D009386, MONDO:0015356.
Familial cancer of breast. Also called: Hereditary breast cancer; BREAST CANCER, FAMILIAL; hereditary breast carcinoma. Identifiers: Orphanet 227535, MedGen C0346153, MONDO:0016419, OMIM 114480. Disease mechanism: loss of function.
Fanconi anemia complementation group J. Also called: BRIP1-Related Fanconi Anemia. Identifiers: Orphanet 84, MedGen C1836860, MONDO:0012187, OMIM 609054.

Allele frequency attached by ClinVar (database versions not stated): gnomAD exomes below 0.00001.
gnomAD v4.1: 1 of 1,611,938 alleles (0.000062%); highest among the groups gnomAD compares: Non-Finnish European, 0.000085%; no homozygotes.

Submissions (3):

Color Diagnostics, LLC DBA Color Health
Classification: Uncertain significance for Hereditary cancer-predisposing syndrome. Last evaluated: 2024-03-06. Review status: criteria provided, single submitter. Criteria: ACMG Guidelines, 2015. Collection method: clinical testing. Allele origin: germline.
Comment: This missense variant replaces serine with phenylalanine at codon 128 of the BRIP1 protein. Computational prediction suggests that this variant may not impact protein structure and function (internally defined REVEL score threshold <= 0.5, PMID: 27666373). Splice site prediction tools suggest that this variant may not impact RNA splicing. To our knowledge, functional studies have not been performed for this variant. This variant has not been reported in individuals affected with hereditary cancer in the literature. This variant has not been identified in the general population by the Genome Aggregation Database (gnomAD). The available evidence is insufficient to determine the role of this variant in disease conclusively. Therefore, this variant is classified as a Variant of Uncertain Significance.

Ambry Genetics
Classification: Uncertain significance for Hereditary cancer-predisposing syndrome. Last evaluated: 2022-09-23. Review status: criteria provided, single submitter. Criteria: Ambry Variant Classification Scheme 2023. Collection method: clinical testing. Allele origin: germline.
Comment: The p.S128F variant (also known as c.383C>T), located in coding exon 4 of the BRIP1 gene, results from a C to T substitution at nucleotide position 383. The serine at codon 128 is replaced by phenylalanine, an amino acid with highly dissimilar properties. This amino acid position is well conserved in available vertebrate species. In addition, this alteration is predicted to be tolerated by in silico analysis. Since supporting evidence is limited at this time, the clinical significance of this alteration remains unclear.

Labcorp Genetics (formerly Invitae), Labcorp
Classification: Uncertain significance for Familial cancer of breast; Fanconi anemia complementation group J. Last evaluated: 2022-01-13. Review status: criteria provided, single submitter. Criteria: Invitae Variant Classification Sherloc (09022015). Collection method: clinical testing. Allele origin: germline.
Comment: This variant has not been reported in the literature in individuals affected with BRIP1-related conditions. ClinVar contains an entry for this variant (Variation ID: 663984). Algorithms developed to predict the effect of missense changes on protein structure and function are either unavailable or do not agree on the potential impact of this missense change (SIFT: "Tolerated"; PolyPhen-2: "Possibly Damaging"; Align-GVGD: "Class C0"). In summary, the available evidence is currently insufficient to determine the role of this variant in disease. Therefore, it has been classified as a Variant of Uncertain Significance. This sequence change replaces serine, which is neutral and polar, with phenylalanine, which is neutral and non-polar, at codon 128 of the BRIP1 protein (p.Ser128Phe). This variant is not present in population databases (gnomAD no frequency).